The following is an entry in ClinVar:

NM_000059.4(BRCA2):c.2472A>G (p.Leu824=)

Gene: BRCA2 (BRCA2 DNA repair associated; plus strand). Cytogenetic location: 13q13.1.
Variant type: single nucleotide variant.
Coding change: c.2472A>G on transcript NM_000059.4 (MANE Select); coding-DNA position 2472, A replaced by G.
Protein change: p.Leu824=; no amino-acid change (leucine 824 retained).
Molecular consequence: synonymous variant.
Genome position (GRCh38, 1-based): chr13:32,336,827, A>G. VCF-style: chr13-32336827-A-G. GRCh37 (hg19) VCF-style: chr13-32910964-A-G.
Identifiers: ClinVar variation 821344 (VCV000821344.7), dbSNP rs1593897003, ClinGen allele CA483437070.

ClinVar aggregate classification (germline): Likely benign. Review status: criteria provided, multiple submitters, no conflicts (2 of 4 stars). 3 submissions from 3 submitters: Likely benign (3). Last evaluated 2024-02-22.

Conditions:
BRCA2-related cancer predisposition. Identifiers: MedGen CN377758, MONDO:0700269.
Hereditary cancer-predisposing syndrome. Also called: Neoplastic Syndromes, Hereditary; Tumor predisposition; Hereditary Cancer Syndrome; Hereditary neoplastic syndrome. Identifiers: Orphanet 140162, MedGen C0027672, MeSH D009386, MONDO:0015356.

Submissions (3):

All of Us Research Program, National Institutes of Health
Classification: Likely benign for BRCA2-related cancer predisposition. Last evaluated: 2024-02-22. Review status: criteria provided, single submitter. Criteria: ACMG Guidelines, 2015. Collection method: clinical testing. Allele origin: germline. Inheritance: Autosomal dominant inheritance. Observed: 1 variant allele, 1 heterozygote.
Comment: This study involves interpretation of variants in research participants for the purpose of population health screening. Participant phenotype was not available at the time of variant classification. Additional details can be found in publication PMID: 35346344, PMCID: PMC8962531

Color Diagnostics, LLC DBA Color Health
Classification: Likely benign for Hereditary cancer-predisposing syndrome. Last evaluated: 2019-07-08. Review status: criteria provided, single submitter. Criteria: ACMG Guidelines, 2015. Collection method: clinical testing. Allele origin: germline.

Ambry Genetics
Classification: Likely benign for Hereditary cancer-predisposing syndrome. Last evaluated: 2019-01-31. Review status: criteria provided, single submitter. Criteria: Ambry Variant Classification Scheme 2023. Collection method: clinical testing. Allele origin: germline.